The following is an entry in ClinVar:

NM_001371904.1(APOA5):c.793G>A (p.Gly265Arg)

Gene: APOA5 (apolipoprotein A5; minus strand). Cytogenetic location: 11q23.3.
Variant type: single nucleotide variant.
Coding change: c.793G>A on transcript NM_001371904.1 (MANE Select); coding-DNA position 793, G replaced by A.
Protein change: p.Gly265Arg; replaces glycine 265 with arginine.
Molecular consequence: missense variant.
Genome position (GRCh38, 1-based): chr11:116,790,436, C>T on the plus strand (G>A on the coding strand, the complement: APOA5 is on the minus strand). VCF-style: chr11-116790436-C-T. GRCh37 (hg19) VCF-style: chr11-116661152-C-T.
Other names: c.793G>A, p.Gly265Arg (NM_001166598.2, NM_052968.5); short protein forms G265R.
Identifiers: ClinVar variation 3228891 (VCV003228891.1), dbSNP rs1940978074, ClinGen allele CA382736142.

ClinVar aggregate classification (germline): Uncertain significance (1 of 4 stars; one submission).

Conditions:
Cardiovascular phenotype. Identifiers: MedGen CN230736.

Allele frequency attached by ClinVar (database versions not stated): gnomAD exomes 0.00001; TOPMed 0.00001.
gnomAD v4.1: 7 of 1,605,224 alleles (0.00044%); highest among the groups gnomAD compares: Non-Finnish European, 0.00059%; no homozygotes.

Submission:

Ambry Genetics
Classification: Uncertain significance for Cardiovascular phenotype. Last evaluated: 2023-09-30. Review status: criteria provided, single submitter. Criteria: Ambry Variant Classification Scheme 2023. Collection method: clinical testing. Allele origin: germline.
Comment: The p.G265R variant (also known as c.793G>A), located in coding exon 3 of the APOA5 gene, results from a G to A substitution at nucleotide position 793. The glycine at codon 265 is replaced by arginine, an amino acid with dissimilar properties. This amino acid position is conserved. In addition, this alteration is predicted to be tolerated by in silico analysis. Since supporting evidence is limited at this time, the clinical significance of this alteration remains unclear.